The following is an entry in ClinVar:

ClinVar aggregate classification (germline): Pathogenic. Review status: criteria provided, multiple submitters, no conflicts (2 of 4 stars). 2 submissions from 2 submitters: Pathogenic (2). Last evaluated 2025-05-15.

Conditions:
Bloom syndrome (BLM). Also called: Bloom-Torre-Machacek syndrome. Identifiers: Orphanet 125, MedGen C0005859, MONDO:0008876, OMIM 210900.
Hereditary cancer-predisposing syndrome. Also called: Neoplastic Syndromes, Hereditary; Hereditary Cancer Syndrome; Hereditary neoplastic syndrome; Tumor predisposition. Identifiers: Orphanet 140162, MedGen C0027672, MeSH D009386, MONDO:0015356.

Submissions (2):

GeneKor MSA
Classification: Pathogenic for Hereditary cancer-predisposing syndrome. Last evaluated: 2025-05-15. Review status: criteria provided, single submitter. Criteria: ACMG Guidelines, 2015. Collection method: clinical testing. Allele origin: germline. Affected: no.
Comment: This variant is a single nucleotide substitution in exon 6 of the BLM mRNA -c.(1195G>T). This sequence change creates a premature translational stop signal p.(Glu399*). It is expected to result in an absent or disrupted protein product. Loss-of-function variants in BLM are known to be pathogenic (PMID:17407155). This variant is not present in population databases and it has not been reported in the literature in individuals affected with BLM-related disorders . ClinVar contains an entry for this variant (VCV002111079.3). Based on the classification criteria set by the ACMG and AMP (PMID:25741868) this variant has been classified as pathogenic.

Labcorp Genetics (formerly Invitae), Labcorp
Classification: Pathogenic for Bloom syndrome. Last evaluated: 2022-03-13. Review status: criteria provided, single submitter. Criteria: Invitae Variant Classification Sherloc (09022015). Collection method: clinical testing. Allele origin: germline.
Comment: For these reasons, this variant has been classified as Pathogenic. Algorithms developed to predict the effect of sequence changes on RNA splicing suggest that this variant may disrupt the consensus splice site. This variant has not been reported in the literature in individuals affected with BLM-related conditions. This variant is not present in population databases (gnomAD no frequency). This sequence change creates a premature translational stop signal (p.Glu399*) in the BLM gene. It is expected to result in an absent or disrupted protein product. Loss-of-function variants in BLM are known to be pathogenic (PMID: 17407155).

Literature cited by the submitters: PubMed 17407155 (cited by GeneKor MSA and Labcorp Genetics (formerly Invitae), Labcorp).

NM_000057.4(BLM):c.1195G>T (p.Glu399Ter)

Gene: BLM (BLM RecQ like helicase; plus strand). Cytogenetic location: 15q26.1.
Variant type: single nucleotide variant.
Coding change: c.1195G>T on transcript NM_000057.4 (MANE Select); coding-DNA position 1195, G replaced by T.
Protein change: p.Glu399Ter; replaces glutamic acid 399 with a stop codon.
Molecular consequence: nonsense.
Genome position (GRCh38, 1-based): chr15:90,760,254, G>T. VCF-style: chr15-90760254-G-T. GRCh37 (hg19) VCF-style: chr15-91303484-G-T.
Other names: c.1195G>T, p.Glu399Ter (NM_001287246.2, NM_001287247.2); c.70G>T, p.Glu24Ter (NM_001287248.2); short protein forms E399*, E24*.
Identifiers: ClinVar variation 2111079 (VCV002111079.5), dbSNP rs538728271, ClinGen allele CA393842525.